The following is an entry in ClinVar:

ClinVar aggregate classification (germline): Uncertain significance. Review status: criteria provided, multiple submitters, no conflicts (2 of 4 stars). 5 submissions from 5 submitters: Uncertain significance (5). Last evaluated 2026-04-10.

Conditions:
COL9A1-related disorder. Also called: COL9A1-related disorders; COL9A1-related condition.
Stickler syndrome, type 4 (STL4). Identifiers: Orphanet 250984, Orphanet 828, MedGen C3279941, MONDO:0013590, OMIM 614134.
Epiphyseal dysplasia, multiple, 6. Also called: COL9A1-Related Multiple Epiphyseal Dysplasia. Identifiers: MedGen C2675767, MONDO:0013591, OMIM 614135.

Allele frequency attached by ClinVar (database versions not stated): ExAC 0.00005; ESP Exome Variant Server 0.00008; gnomAD exomes 0.00010; gnomAD 0.00016; TOPMed 0.00019.
gnomAD v4.1: 144 of 1,613,960 alleles (0.0089%); highest among the groups gnomAD compares: Admixed American, 0.06%; no homozygotes.

Submissions (5):

PreventionGenetics, part of Exact Sciences
Classification: Uncertain significance for COL9A1-related condition. Last evaluated: 2026-04-10. Review status: criteria provided, single submitter. Criteria: ACMG Guidelines, 2015. Collection method: clinical testing. Allele origin: germline.
Comment: The COL9A1 c.680C>T variant is predicted to result in the amino acid substitution p.Pro227Leu. To our knowledge, this variant has not been reported in the literature. This variant is reported in 0.040% of alleles in individuals of Latino descent in gnomAD. At this time, the clinical significance of this variant is uncertain due to the absence of conclusive functional and genetic evidence.

Women's Health and Genetics/Laboratory Corporation of America, LabCorp
Classification: Uncertain significance. Last evaluated: 2025-12-15. Review status: criteria provided, single submitter. Criteria: LabCorp Variant Classification Summary - May 2015. Collection method: clinical testing. Allele origin: germline.
Comment: Variant summary: COL9A1 c.680C>T (p.Pro227Leu) results in a non-conservative amino acid change in the encoded protein sequence. Algorithms developed to predict the effect of missense changes on protein structure and function are either unavailable or do not agree on the potential impact of this missense change. The variant allele was found at a frequency of 9.9e-05 in 251262 control chromosomes. This frequency is not significantly higher than estimated for disease-causing variants in COL9A1, allowing no conclusion about variant significance. To our knowledge, no occurrence of c.680C>T in individuals affected with COL9A1-related conditions and no experimental evidence demonstrating its impact on protein function have been reported. ClinVar contains an entry for this variant (Variation ID: 1054519). Based on the evidence outlined above, the variant was classified as uncertain significance.

Blueprint Genetics
Classification: Uncertain significance. Last evaluated: 2024-11-07. Review status: criteria provided, single submitter. Criteria: ACMG Guidelines, 2015. Collection method: clinical testing. Allele origin: germline.

Labcorp Genetics (formerly Invitae), Labcorp
Classification: Uncertain significance. Last evaluated: 2022-09-07. Review status: criteria provided, single submitter. Criteria: Invitae Variant Classification Sherloc (09022015). Collection method: clinical testing. Allele origin: germline.
Comment: This sequence change replaces proline, which is neutral and non-polar, with leucine, which is neutral and non-polar, at codon 227 of the COL9A1 protein (p.Pro227Leu). This variant is present in population databases (rs145207010, gnomAD 0.04%). This variant has not been reported in the literature in individuals affected with COL9A1-related conditions. ClinVar contains an entry for this variant (Variation ID: 1054519). Advanced modeling of protein sequence and biophysical properties (such as structural, functional, and spatial information, amino acid conservation, physicochemical variation, residue mobility, and thermodynamic stability) performed at Invitae indicates that this missense variant is not expected to disrupt COL9A1 protein function. In summary, the available evidence is currently insufficient to determine the role of this variant in disease. Therefore, it has been classified as a Variant of Uncertain Significance.

Fulgent Genetics
Classification: Uncertain significance for Stickler syndrome, type 4; Epiphyseal dysplasia, multiple, 6. Last evaluated: 2022-04-05. Review status: criteria provided, single submitter. Criteria: ACMG Guidelines, 2015. Collection method: clinical testing. Allele origin: unknown.

NM_001851.6(COL9A1):c.680C>T (p.Pro227Leu)

Gene: COL9A1 (collagen type IX alpha 1 chain; minus strand). Cytogenetic location: 6q13.
Variant type: single nucleotide variant.
Coding change: c.680C>T on transcript NM_001851.6 (MANE Select); coding-DNA position 680, C replaced by T.
Protein change: p.Pro227Leu; replaces proline 227 with leucine.
Molecular consequence: missense variant.
Genome position (GRCh38, 1-based): chr6:70,294,183, G>A on the plus strand (C>T on the coding strand, the complement: COL9A1 is on the minus strand). VCF-style: chr6-70294183-G-A. GRCh37 (hg19) VCF-style: chr6-71003886-G-A.
Other names: c.680C>T, p.Pro227Leu (NM_001377291.1); c.680C>T (NM_001851.4); short protein forms P227L.
Identifiers: ClinVar variation 1054519 (VCV001054519.8), dbSNP rs145207010, ClinGen allele CA3882755.